The following is an entry in ClinVar:

NM_002661.5(PLCG2):c.1149C>T (p.Asp383=)

Gene: PLCG2 (phospholipase C gamma 2; plus strand). Cytogenetic location: 16q23.3.
Variant type: single nucleotide variant.
Coding change: c.1149C>T on transcript NM_002661.5 (MANE Select); coding-DNA position 1149, C replaced by T.
Protein change: p.Asp383=; no amino-acid change (aspartic acid 383 retained).
Molecular consequence: synonymous variant.
Genome position (GRCh38, 1-based): chr16:81,895,883, C>T. VCF-style: chr16-81895883-C-T. GRCh37 (hg19) VCF-style: chr16-81929488-C-T.
Other names: p.Asp383=.
Identifiers: ClinVar variation 403320 (VCV000403320.39), dbSNP rs1143688, ClinGen allele CA8193614.

ClinVar aggregate classification (germline): Benign/Likely benign. Review status: criteria provided, multiple submitters, no conflicts (2 of 4 stars). 13 submissions from 12 submitters: Benign (10); Likely benign (1). 2 of the submissions do not count toward it. Last evaluated 2026-02-04.

Conditions:
Familial cold autoinflammatory syndrome 3 (FCAS3). Also called: ANTIBODY DEFICIENCY AND IMMUNE DYSREGULATION, PLCG2-ASSOCIATED; FAMILIAL ATYPICAL COLD URTICARIA. Identifiers: Orphanet 300359, MedGen C3280914, MONDO:0013766, OMIM 614468.
Autoinflammation-PLCG2-associated antibody deficiency-immune dysregulation. Also called: Autoinflammation, antibody deficiency, and immune dysregulation, plcg2-associated; Autoinflammation, antibody deficiency, and immune dysregulation syndrome; AUTOINFLAMMATION, ANTIBODY DEFICIENCY, AND IMMUNE DYSREGULATION. Identifiers: Orphanet 324530, MedGen C3553961, MONDO:0013944, OMIM 614878.

Allele frequency attached by ClinVar (database versions not stated): ESP Exome Variant Server 0.28848; gnomAD 0.33340 and 0.34314; TOPMed 0.34152; gnomAD exomes 0.38360 and 0.42920; 1000 Genomes Project 30x 0.40334; 1000 Genomes Project 0.40655; ExAC 0.41580.
gnomAD v4.1: 612,750 of 1,613,436 alleles (38%); highest among the groups gnomAD compares: East Asian, 70%; 124,140 homozygotes.

Submissions (13):

Labcorp Genetics (formerly Invitae), Labcorp
Classification: Benign for Familial cold autoinflammatory syndrome 3. Last evaluated: 2026-02-04. Review status: criteria provided, single submitter. Criteria: Invitae Variant Classification Sherloc (09022015). Collection method: clinical testing. Allele origin: germline.

Women's Health and Genetics/Laboratory Corporation of America, LabCorp
Classification: Benign. Last evaluated: 2026-01-21. Review status: criteria provided, single submitter. Criteria: LabCorp Variant Classification Summary - May 2015. Collection method: clinical testing. Allele origin: germline.

ARUP Laboratories, Molecular Genetics and Genomics, ARUP Laboratories
Classification: Benign. Last evaluated: 2025-07-30. Review status: criteria provided, single submitter. Criteria: ARUP Molecular Germline Variant Investigation Process 2024. Collection method: clinical testing. Allele origin: germline.

Blueprint Genetics
Classification: Likely benign. Last evaluated: 2024-11-27. Review status: criteria provided, single submitter. Criteria: ACMG Guidelines, 2015. Collection method: clinical testing. Allele origin: germline.

Unidad de Genómica Garrahan, Hospital de Pediatría Garrahan
Classification: Benign. Last evaluated: 2023-11-14. Review status: criteria provided, single submitter. Criteria: ACMG Guidelines, 2015. Collection method: clinical testing. Allele origin: germline. Affected: no. Observed: 79 variant alleles.
Comment: This variant is classified as Benign based on local population frequency. This variant was detected in 82% of patients studied by a panel of primary immunodeficiencies. Number of patients: 79. Only high quality variants are reported.

Mayo Clinic Laboratories, Mayo Clinic
Classification: Benign. Last evaluated: 2022-03-09. Review status: criteria provided, single submitter. Criteria: ACMG Guidelines, 2015. Collection method: clinical testing. Allele origin: germline. Observed: 920 variant alleles.

Genome-Nilou Lab
Classification: Benign for Autoinflammation-PLCG2-associated antibody deficiency-immune dysregulation. Last evaluated: 2021-10-25. Review status: criteria provided, single submitter. Criteria: ACMG Guidelines, 2015. Collection method: clinical testing. Allele origin: germline. Affected: no.

Genome-Nilou Lab
Classification: Benign for Familial cold autoinflammatory syndrome 3. Last evaluated: 2021-10-25. Review status: criteria provided, single submitter. Criteria: ACMG Guidelines, 2015. Collection method: clinical testing. Allele origin: germline. Affected: no.

GeneDx
Classification: Benign. Last evaluated: 2021-05-04. Review status: criteria provided, single submitter. Criteria: GeneDx Variant Classification Process June 2021. Collection method: clinical testing. Allele origin: germline. Affected: yes.

Laboratory for Molecular Medicine, Mass General Brigham Personalized Medicine
Classification: Benign. Last evaluated: 2016-03-28. Review status: criteria provided, single submitter. Criteria: LMM Criteria. Collection method: clinical testing. Allele origin: germline.
Comment: Variant identified in a genome or exome case(s) and assessed due to predicted null impact of the variant or pathogenic assertions in the literature or databases. Disclaimer: This variant has not undergone full assessment. The following are preliminary notes: Frequency

Breakthrough Genomics
Classification: Benign. Review status: criteria provided, single submitter. Criteria: ACMG Guidelines, 2015. Collection method: not provided. Allele origin: germline. Inheritance: Autosomal dominant inheritance. Affected: yes.

Genome Diagnostics Laboratory, University Medical Center Utrecht
Classification: Benign. Review status: no assertion criteria provided. Collection method: clinical testing. Allele origin: germline. Affected: yes. Study: VKGL Data-share Consensus. Not counted in ClinVar's aggregate classification.

Joint Genome Diagnostic Labs from Nijmegen and Maastricht, Radboudumc and MUMC+
Classification: Benign. Review status: no assertion criteria provided. Collection method: clinical testing. Allele origin: germline. Affected: yes. Study: VKGL Data-share Consensus. Not counted in ClinVar's aggregate classification.